The following is an entry in ClinVar:

ClinVar aggregate classification (germline): Uncertain significance (1 of 4 stars; one submission).

gnomAD v4.1: 17 of 1,613,780 alleles (0.0011%); highest among the groups gnomAD compares: Non-Finnish European, 0.0014%; no homozygotes.

Submission:

Labcorp Genetics (formerly Invitae), Labcorp
Classification: Uncertain significance. Last evaluated: 2022-03-18. Review status: criteria provided, single submitter. Criteria: Invitae Variant Classification Sherloc (09022015). Collection method: clinical testing. Allele origin: germline.
Comment: This sequence change replaces glutamic acid, which is acidic and polar, with glutamine, which is neutral and polar, at codon 1098 of the CEP250 protein (p.Glu1098Gln). This variant is present in population databases (no rsID available, gnomAD 0.007%). This variant has not been reported in the literature in individuals affected with CEP250-related conditions. Algorithms developed to predict the effect of missense changes on protein structure and function output the following: SIFT: "Not Available"; PolyPhen-2: "Benign"; Align-GVGD: "Not Available". The glutamine amino acid residue is found in multiple mammalian species, which suggests that this missense change does not adversely affect protein function. In summary, the available evidence is currently insufficient to determine the role of this variant in disease. Therefore, it has been classified as a Variant of Uncertain Significance.

NM_007186.6(CEP250):c.3292G>C (p.Glu1098Gln)

Gene: CEP250 (centrosomal protein 250; plus strand). Cytogenetic location: 20q11.22.
Variant type: single nucleotide variant.
Coding change: c.3292G>C on transcript NM_007186.6 (MANE Select); coding-DNA position 3292, G replaced by C.
Protein change: p.Glu1098Gln; replaces glutamic acid 1098 with glutamine.
Molecular consequence: missense variant.
Genome position (GRCh38, 1-based): chr20:35,496,701, G>C. VCF-style: chr20-35496701-G-C. GRCh37 (hg19) VCF-style: chr20-34084530-G-C.
Other names: c.1396G>C, p.Glu466Gln (NM_001318219.1); short protein forms E1098Q, E466Q.
Identifiers: ClinVar variation 1525385 (VCV001525385.5), dbSNP rs917053719, ClinGen allele CA408742791.